The following is an entry in ClinVar:

NM_000993.5(RPL31):c.260G>A (p.Arg87Gln)

Gene: RPL31 (ribosomal protein L31; plus strand). Cytogenetic location: 2q11.2.
Variant type: single nucleotide variant.
Coding change: c.260G>A on transcript NM_000993.5 (MANE Select); coding-DNA position 260, G replaced by A.
Protein change: p.Arg87Gln; replaces arginine 87 with glutamine.
Molecular consequence: missense variant.
Genome position (GRCh38, 1-based): chr2:101,005,985, G>A. VCF-style: chr2-101005985-G-A. GRCh37 (hg19) VCF-style: chr2-101622447-G-A.
Other names: c.260G>A, p.Arg87Gln (NM_001098577.3, NM_001098578.1, NM_001099693.2); short protein forms R87Q.
Identifiers: ClinVar variation 2421580 (VCV002421580.6), dbSNP rs752591918, ClinGen allele CA1804256.

ClinVar aggregate classification (germline): Uncertain significance (1 of 4 stars; one submission).

Allele frequency attached by ClinVar (database versions not stated): TOPMed below 0.00001; ExAC 0.00001; gnomAD 0.00001; gnomAD exomes 0.00001.
gnomAD v4.1: 16 of 1,613,118 alleles (0.00099%); highest among the groups gnomAD compares: African/African-American, 0.0013%; no homozygotes.

Submission:

Labcorp Genetics (formerly Invitae), Labcorp
Classification: Uncertain significance. Last evaluated: 2022-08-10. Review status: criteria provided, single submitter. Criteria: Invitae Variant Classification Sherloc (09022015). Collection method: clinical testing. Allele origin: germline.
Comment: In summary, the available evidence is currently insufficient to determine the role of this variant in disease. Therefore, it has been classified as a Variant of Uncertain Significance. Algorithms developed to predict the effect of missense changes on protein structure and function are either unavailable or do not agree on the potential impact of this missense change (SIFT: "Deleterious"; PolyPhen-2: "Benign"; Align-GVGD: "Class C35"). This variant has not been reported in the literature in individuals affected with RPL31-related conditions. This variant is present in population databases (rs752591918, gnomAD 0.007%). This sequence change replaces arginine, which is basic and polar, with glutamine, which is neutral and polar, at codon 87 of the RPL31 protein (p.Arg87Gln).